The following is an entry in ClinVar:

ClinVar aggregate classification (germline): Uncertain significance (1 of 4 stars; one submission).

Conditions:
Inborn genetic diseases. Identifiers: MedGen C0950123, MeSH D030342.

Submission:

Ambry Genetics
Classification: Uncertain significance for Inborn genetic diseases. Last evaluated: 2022-03-04. Review status: criteria provided, single submitter. Criteria: Ambry Variant Classification Scheme 2023. Collection method: clinical testing. Allele origin: germline.
Comment: The c.44G>T (p.R15L) alteration is located in exon 2 (coding exon 1) of the AP1G1 gene. This alteration results from a G to T substitution at nucleotide position 44, causing the arginine (R) at amino acid position 15 to be replaced by a leucine (L). This variant was not reported in population-based cohorts in the Genome Aggregation Database (gnomAD). This amino acid position is highly conserved in available vertebrate species. The in silico prediction for this alteration is inconclusive. Based on insufficient or conflicting evidence, the clinical significance of this alteration remains unclear.

NM_001128.6(AP1G1):c.44G>T (p.Arg15Leu)

Gene: AP1G1 (adaptor related protein complex 1 subunit gamma 1; minus strand). Cytogenetic location: 16q22.2.
Variant type: single nucleotide variant.
Coding change: c.44G>T on transcript NM_001128.6 (MANE Select); coding-DNA position 44, G replaced by T.
Protein change: p.Arg15Leu; replaces arginine 15 with leucine.
Molecular consequence: missense variant.
Genome position (GRCh38, 1-based): chr16:71,789,436, C>A on the plus strand (G>T on the coding strand, the complement: AP1G1 is on the minus strand). VCF-style: chr16-71789436-C-A. GRCh37 (hg19) VCF-style: chr16-71823339-C-A.
Other names: c.44G>T, p.Arg15Leu (NM_001030007.2); short protein forms R15L.
Identifiers: ClinVar variation 2227589 (VCV002227589.2), dbSNP rs2145525235, ClinGen allele CA396673845.